The following is an entry in ClinVar:

ClinVar aggregate classification (germline): Uncertain significance (1 of 4 stars; one submission).

Submission:

GeneDx
Classification: Uncertain significance. Last evaluated: 2025-10-22. Review status: criteria provided, single submitter. Criteria: GeneDx Variant Classification Process June 2021. Collection method: clinical testing. Allele origin: germline.
Comment: Not observed at significant frequency in large population cohorts (gnomAD); In silico analysis supports that this missense variant has a deleterious effect on protein structure/function; Has not been previously published as pathogenic or benign to our knowledge

NM_001069.3(TUBB2A):c.244G>A (p.Gly82Ser)

Gene: TUBB2A (tubulin beta 2A class IIa; minus strand). Cytogenetic location: 6p25.2.
Variant type: single nucleotide variant.
Coding change: c.244G>A on transcript NM_001069.3 (MANE Select); coding-DNA position 244, G replaced by A.
Protein change: p.Gly82Ser; replaces glycine 82 with serine.
Molecular consequence: missense variant. On other transcripts: 5 prime UTR variant (1).
Genome position (GRCh38, 1-based): chr6:3,155,658, C>T on the plus strand (G>A on the coding strand, the complement: TUBB2A is on the minus strand). VCF-style: chr6-3155658-C-T. GRCh37 (hg19) VCF-style: chr6-3155892-C-T.
Other names: c.-144G>A (NM_001310315.2); short protein forms G82S.
Identifiers: ClinVar variation 3364731 (VCV003364731.2).
Genomic context (GRCh38, chr6:3,155,658, plus strand): 5'-CAGTTCCCAGTGATCATGACTACATACCGAACACGAAGTTGTCTGGTCTGAAGATCTGGC[C>T]GAAGGGTCCAGACCTGACAGAGTCCATGGTGCCAGGCTCCAGATCCACCAGGATGGCCCG-3'
Protein context (NP_001060.1, residues 72-92): TMDSVRSGPF[Gly82Ser]QIFRPDNFVF